The following is an entry in ClinVar:

NM_002528.7(NTHL1):c.229C>A (p.Pro77Thr)

Gene: NTHL1 (nth like DNA glycosylase 1; minus strand). Cytogenetic location: 16p13.3.
Variant type: single nucleotide variant.
Coding change: c.229C>A on transcript NM_002528.7 (MANE Select); coding-DNA position 229, C replaced by A.
Protein change: p.Pro77Thr; replaces proline 77 with threonine.
Molecular consequence: missense variant. On other transcripts: intron variant (1).
Genome position (GRCh38, 1-based): chr16:2,046,253, G>T on the plus strand (C>A on the coding strand, the complement: NTHL1 is on the minus strand). VCF-style: chr16-2046253-G-T. GRCh37 (hg19) VCF-style: chr16-2096254-G-T.
Other names: c.229C>A, p.Pro77Thr (NM_001318193.2); c.24+27C>A (NM_001318194.2); short protein forms P77T.
Identifiers: ClinVar variation 3692393 (VCV003692393.2).

ClinVar aggregate classification (germline): Uncertain significance (1 of 4 stars; one submission).

Submission:

Labcorp Genetics (formerly Invitae), Labcorp
Classification: Uncertain significance. Last evaluated: 2024-12-12. Review status: criteria provided, single submitter. Criteria: Invitae Variant Classification Sherloc (09022015). Collection method: clinical testing. Allele origin: germline.
Comment: This sequence change replaces proline, which is neutral and non-polar, with threonine, which is neutral and polar, at codon 85 of the NTHL1 protein (p.Pro85Thr). This variant is present in population databases (no rsID available, gnomAD 0.003%). This variant has not been reported in the literature in individuals affected with NTHL1-related conditions. An algorithm developed to predict the effect of missense changes on protein structure and function outputs the following: PolyPhen-2: "Benign". The threonine amino acid residue is found in multiple mammalian species, which suggests that this missense change does not adversely affect protein function. In summary, the available evidence is currently insufficient to determine the role of this variant in disease. Therefore, it has been classified as a Variant of Uncertain Significance.